The following is an entry in ClinVar:

NM_021815.5(SLC5A7):c.46C>A (p.Leu16Ile)

Gene: SLC5A7 (solute carrier family 5 member 7; plus strand). Cytogenetic location: 2q12.3.
Variant type: single nucleotide variant.
Coding change: c.46C>A on transcript NM_021815.5 (MANE Select); coding-DNA position 46, C replaced by A.
Protein change: p.Leu16Ile; replaces leucine 16 with isoleucine.
Molecular consequence: missense variant. On other transcripts: 5 prime UTR variant (1), intron variant (1).
Genome position (GRCh38, 1-based): chr2:107,988,201, C>A. VCF-style: chr2-107988201-C-A. GRCh37 (hg19) VCF-style: chr2-108604657-C-A.
Other names: c.46C>A, p.Leu16Ile (NM_001305005.3); c.-659C>A (NM_001305007.3); c.-138+1438C>A (NM_001305006.3); short protein forms L16I.
Identifiers: ClinVar variation 1981065 (VCV001981065.4), dbSNP rs143876748, ClinGen allele CA1818873.

ClinVar aggregate classification (germline): Uncertain significance (1 of 4 stars; one submission).

Conditions:
Neuronopathy, distal hereditary motor, type 7A. Also called: NEURONOPATHY, DISTAL HEREDITARY MOTOR, HARDING TYPE VIIA; NEUROPATHY, DISTAL HEREDITARY MOTOR, HARDING TYPE VIIA; Neuronopathy, distal hereditary motor, autosomal dominant 7; HARPER-YOUNG MYOPATHY; HMN VIIA; Neuronopathy, distal hereditary motor, type viia. Identifiers: Orphanet 139589, MedGen C1834703, MONDO:0008024, OMIM 158580.
Congenital myasthenic syndrome 20. Also called: Myasthenic syndrome, congenital, 20, presynaptic. Identifiers: MedGen C4310694, MONDO:0014939, OMIM 617143.

gnomAD v4.1: 5 of 1,614,090 alleles (0.00031%); highest among the groups gnomAD compares: South Asian, 0.0044%; no homozygotes.

Submission:

Labcorp Genetics (formerly Invitae), Labcorp
Classification: Uncertain significance for Neuronopathy, distal hereditary motor, type 7A; Congenital myasthenic syndrome 20. Last evaluated: 2025-09-24. Review status: criteria provided, single submitter. Criteria: Invitae Variant Classification Sherloc (09022015). Collection method: clinical testing. Allele origin: germline.
Comment: This sequence change replaces leucine, which is neutral and non-polar, with isoleucine, which is neutral and non-polar, at codon 16 of the SLC5A7 protein (p.Leu16Ile). This variant is present in population databases (rs143876748, gnomAD 0.003%). This variant has not been reported in the literature in individuals affected with SLC5A7-related conditions. ClinVar contains an entry for this variant (Variation ID: 1981065). Invitae Evidence Modeling of protein sequence and biophysical properties (such as structural, functional, and spatial information, amino acid conservation, physicochemical variation, residue mobility, and thermodynamic stability) indicates that this missense variant is not expected to disrupt SLC5A7 protein function with a negative predictive value of 80%. In summary, the available evidence is currently insufficient to determine the role of this variant in disease. Therefore, it has been classified as a Variant of Uncertain Significance.